The following is an entry in ClinVar:

NM_005422.4(TECTA):c.4477G>A (p.Gly1493Ser)

Genes: TBCEL-TECTA (TBCEL-TECTA readthrough; plus strand), TECTA (tectorin alpha; plus strand). Cytogenetic location: 11q23.3.
Variant type: single nucleotide variant.
Coding change: c.4477G>A on transcript NM_005422.4 (MANE Select); coding-DNA position 4477, G replaced by A.
Protein change: p.Gly1493Ser; replaces glycine 1493 with serine.
Molecular consequence: missense variant.
Genome position (GRCh38, 1-based): chr11:121,158,012, G>A. VCF-style: chr11-121158012-G-A. GRCh37 (hg19) VCF-style: chr11-121028721-G-A.
Other names: c.5434G>A, p.Gly1812Ser (NM_001378761.1); short protein forms G1493S, G1812S.
Identifiers: ClinVar variation 4685078 (VCV004685078.1).

ClinVar aggregate classification (germline): Uncertain significance (1 of 4 stars; one submission).

gnomAD v4.1: 10 of 1,612,732 alleles (0.00062%); highest among the groups gnomAD compares: Admixed American, 0.0033%; no homozygotes.

Submission:

GeneDx
Classification: Uncertain significance. Last evaluated: 2025-07-08. Review status: criteria provided, single submitter. Criteria: GeneDx Variant Classification Process June 2021. Collection method: clinical testing. Allele origin: germline. Affected: yes.
Comment: Not observed at significant frequency in large population cohorts (gnomAD); In silico analysis suggests that this missense variant does not alter protein structure/function; Has not been previously published as pathogenic or benign to our knowledge; This variant is associated with the following publications: (PMID: 21520338, 31554319, 9590290)